The following is an entry in ClinVar:

NM_003923.3(FOXH1):c.363G>C (p.Arg121=)

Gene: FOXH1 (forkhead box H1; minus strand). Cytogenetic location: 8q24.3.
Variant type: single nucleotide variant.
Coding change: c.363G>C on transcript NM_003923.3 (MANE Select); coding-DNA position 363, G replaced by C.
Protein change: p.Arg121=; no amino-acid change (arginine 121 retained).
Molecular consequence: synonymous variant.
Genome position (GRCh38, 1-based): chr8:144,474,973, C>G on the plus strand (G>C on the coding strand, the complement: FOXH1 is on the minus strand). VCF-style: chr8-144474973-C-G. GRCh37 (hg19) VCF-style: chr8-145700356-C-G.
Other names: p.R121R:CGG>CGC.
Identifiers: ClinVar variation 137394 (VCV000137394.22), dbSNP rs80356380, ClinGen allele CA202331.
Genomic context (GRCh38, chr8:144,474,973, plus strand): 5'-GGCGAAGGCTCCACGCGCACCTCCGTTCTGCCAGCGCCGGCACAGGGCGGTGTTCTGCAG[C>G]CGGAGCGCCTCAGCTGGGATCAGGCTCACGTCGACCGCCCAGAAGTTGCCCTTGGCCTGG-3'
Protein context (NP_003914.1, residues 111-131): DVSLIPAEAL[Arg121=]LQNTALCRRW

ClinVar aggregate classification (germline): Benign/Likely benign. Review status: criteria provided, multiple submitters, no conflicts (2 of 4 stars). 8 submissions from 8 submitters: Benign (7); Likely benign (1). Last evaluated 2026-02-02.

Conditions:
Holoprosencephaly sequence (HPE). Also called: Holoprosencephaly. Identifiers: Orphanet 2162, MedGen C0079541, MONDO:0016296, HP:0001360.

Allele frequency attached by ClinVar (database versions not stated): ExAC 0.01142; ESP Exome Variant Server 0.03315; gnomAD 0.03441 and 0.03705; 1000 Genomes Project 0.03474; TOPMed 0.03850; 1000 Genomes Project 30x 0.04201.
gnomAD v4.1: 10,111 of 1,607,518 alleles (0.63%); highest among the groups gnomAD compares: African/African-American, 12%; 526 homozygotes.

Submissions (8):

Labcorp Genetics (formerly Invitae), Labcorp
Classification: Benign for Holoprosencephaly sequence. Last evaluated: 2026-02-02. Review status: criteria provided, single submitter. Criteria: Invitae Variant Classification Sherloc (09022015). Collection method: clinical testing. Allele origin: germline.

Blueprint Genetics
Classification: Likely benign. Last evaluated: 2024-11-25. Review status: criteria provided, single submitter. Criteria: ACMG Guidelines, 2015. Collection method: clinical testing. Allele origin: germline.

Women's Health and Genetics/Laboratory Corporation of America, LabCorp
Classification: Benign. Last evaluated: 2024-06-17. Review status: criteria provided, single submitter. Criteria: LabCorp Variant Classification Summary - May 2015. Collection method: clinical testing. Allele origin: germline.

Illumina Laboratory Services, Illumina
Classification: Benign for Holoprosencephaly sequence. Last evaluated: 2018-01-13. Review status: criteria provided, single submitter. Criteria: ICSL Variant Classification Criteria 13 December 2019. Collection method: clinical testing. Allele origin: germline.
Comment: This variant was observed in the ICSL laboratory as part of a predisposition screen in an ostensibly healthy population. It had not been previously curated by ICSL or reported in the Human Gene Mutation Database (HGMD: prior to June 1st, 2018), and was therefore a candidate for classification through an automated scoring system. Utilizing variant allele frequency, disease prevalence and penetrance estimates, and inheritance mode, an automated score was calculated to assess if this variant is too frequent to cause the disease. Based on the score and internal cut-off values, a variant classified as benign is not then subjected to further curation. The score for this variant resulted in a classification of benign for this disease.

Eurofins Ntd Llc (ga)
Classification: Benign. Last evaluated: 2015-03-13. Review status: criteria provided, single submitter. Criteria: EGL Classification Definitions 2015. Collection method: clinical testing. Allele origin: germline. Observed: 2 variant alleles, 2 heterozygotes.

GeneDx
Classification: Benign. Last evaluated: 2013-04-24. Review status: criteria provided, single submitter. Criteria: GeneDx Variant Classification (06012015). Collection method: clinical testing. Allele origin: germline. Affected: yes.
Comment: This variant is considered likely benign or benign based on one or more of the following criteria: it is a conservative change, it occurs at a poorly conserved position in the protein, it is predicted to be benign by multiple in silico algorithms, and/or has population frequency not consistent with disease.

Breakthrough Genomics
Classification: Benign. Review status: criteria provided, single submitter. Criteria: ACMG Guidelines, 2015. Collection method: not provided. Allele origin: germline. Inheritance: Unknown mechanism. Affected: yes.

PreventionGenetics, part of Exact Sciences
Classification: Benign. Review status: criteria provided, single submitter. Criteria: ACMG Guidelines, 2015. Collection method: clinical testing. Allele origin: germline.